The following is an entry in ClinVar:

ClinVar aggregate classification (germline): Uncertain significance. Review status: criteria provided, multiple submitters, no conflicts (2 of 4 stars). 2 submissions from 2 submitters: Uncertain significance (2). Last evaluated 2024-03-20.

Conditions:
Neurofibromatosis, type 1 (NF1). Also called: Peripheral type neurofibromatosis; Neurofibromatosis, type I; VON RECKLINGHAUSEN DISEASE; NEUROFIBROMATOSIS, TYPE I, SOMATIC. Identifiers: Orphanet 636, MedGen C0027831, MONDO:0018975, OMIM 162200. Disease mechanism: loss of function.
Hereditary cancer-predisposing syndrome. Also called: Hereditary neoplastic syndrome; Neoplastic Syndromes, Hereditary; Hereditary Cancer Syndrome; Tumor predisposition. Identifiers: Orphanet 140162, MedGen C0027672, MeSH D009386, MONDO:0015356.
Cardiovascular phenotype. Identifiers: MedGen CN230736.

Submissions (2):

Labcorp Genetics (formerly Invitae), Labcorp
Classification: Uncertain significance for Neurofibromatosis, type 1. Last evaluated: 2024-03-20. Review status: criteria provided, single submitter. Criteria: Invitae Variant Classification Sherloc (09022015). Collection method: clinical testing. Allele origin: germline.
Comment: This sequence change replaces valine, which is neutral and non-polar, with alanine, which is neutral and non-polar, at codon 1800 of the NF1 protein (p.Val1800Ala). This variant is not present in population databases (gnomAD no frequency). This variant has not been reported in the literature in individuals affected with NF1-related conditions. ClinVar contains an entry for this variant (Variation ID: 1413127). Advanced modeling of protein sequence and biophysical properties (such as structural, functional, and spatial information, amino acid conservation, physicochemical variation, residue mobility, and thermodynamic stability) performed at Invitae indicates that this missense variant is expected to disrupt NF1 protein function with a positive predictive value of 95%. In summary, the available evidence is currently insufficient to determine the role of this variant in disease. Therefore, it has been classified as a Variant of Uncertain Significance.

Ambry Genetics
Classification: Uncertain significance for Cardiovascular phenotype; Hereditary cancer-predisposing syndrome. Last evaluated: 2023-08-25. Review status: criteria provided, single submitter. Criteria: Ambry Variant Classification Scheme 2023. Collection method: clinical testing. Allele origin: germline.
Comment: The p.V1800A variant (also known as c.5399T>C), located in coding exon 37 of the NF1 gene, results from a T to C substitution at nucleotide position 5399. The valine at codon 1800 is replaced by alanine, an amino acid with similar properties. This amino acid position is highly conserved in available vertebrate species. In addition, this alteration is predicted to be deleterious by in silico analysis. Since supporting evidence is limited at this time, the clinical significance of this alteration remains unclear.

NM_001042492.3(NF1):c.5462T>C (p.Val1821Ala)

Gene: NF1 (neurofibromin 1; plus strand). Cytogenetic location: 17q11.2.
Variant type: single nucleotide variant.
Coding change: c.5462T>C on transcript NM_001042492.3 (MANE Select); coding-DNA position 5462, T replaced by C.
Protein change: p.Val1821Ala; replaces valine 1821 with alanine.
Molecular consequence: missense variant.
Genome position (GRCh38, 1-based): chr17:31,327,692, T>C. VCF-style: chr17-31327692-T-C. GRCh37 (hg19) VCF-style: chr17-29654710-T-C.
Other names: c.5399T>C, p.Val1800Ala (NM_000267.4); short protein forms V1800A, V1821A.
Identifiers: ClinVar variation 1413127 (VCV001413127.7), dbSNP rs2151541436, ClinGen allele CA399009498.